The following is an entry in ClinVar:

ClinVar aggregate classification (germline): Uncertain significance (1 of 4 stars; one submission).

Conditions:
Familial cancer of breast. Also called: hereditary breast carcinoma; BREAST CANCER, FAMILIAL; Hereditary breast cancer. Identifiers: Orphanet 227535, MedGen C0346153, MONDO:0016419, OMIM 114480. Disease mechanism: loss of function.

Submission:

Labcorp Genetics (formerly Invitae), Labcorp
Classification: Uncertain significance for Familial cancer of breast. Last evaluated: 2022-07-25. Review status: criteria provided, single submitter. Criteria: Invitae Variant Classification Sherloc (09022015). Collection method: clinical testing. Allele origin: germline.
Comment: This variant, c.687_719del, is a complex sequence change that results in the deletion of 12 and insertion of 1 amino acid(s) in the BARD1 protein (p.Phe229_Val240delinsLeu). This variant is not present in population databases (gnomAD no frequency). This variant has not been reported in the literature in individuals affected with BARD1-related conditions. Experimental studies and prediction algorithms are not available or were not evaluated, and the functional significance of this variant is currently unknown. In summary, the available evidence is currently insufficient to determine the role of this variant in disease. Therefore, it has been classified as a Variant of Uncertain Significance.

NM_000465.4(BARD1):c.687_719del (p.Phe229_Val240delinsLeu)

Gene: BARD1 (BRCA1 associated RING domain 1; minus strand). Cytogenetic location: 2q35.
Variant type: Deletion.
Coding change: c.687_719del on transcript NM_000465.4 (MANE Select); coding-DNA positions 687 to 719, 33 bases deleted.
Protein change: p.Phe229_Val240delinsLeu.
Molecular consequence: inframe indel. On other transcripts: non-coding transcript variant (2), intron variant (3).
Genome position (GRCh38, 1-based): chr2:214,781,155-214,781,187, 33 bases deleted; deleting any 33 consecutive bases within chr2:214,781,155-214,781,188 gives the same sequence; the c. name uses the placement nearest the transcript's 3' end. GRCh37 (hg19): chr2:215,645,880-215,645,912.
Other names: c.630_662del, p.Phe210_Val221delinsLeu (NM_001282543.2); c.158+28225_158+28257del (NM_001282548.2); c.215+15874_215+15906del (NM_001282545.2); c.364+11110_364+11142del (NM_001282549.2).
Identifiers: ClinVar variation 2019523 (VCV002019523.4), dbSNP rs2469509494, ClinGen allele CA2580065682.